The following is an entry in ClinVar:

ClinVar aggregate classification (germline): Pathogenic/Likely pathogenic. Review status: criteria provided, multiple submitters, no conflicts (2 of 4 stars). 12 submissions from 12 submitters: Pathogenic (8); Likely pathogenic (1). 3 of the submissions do not count toward it. Last evaluated 2025-11-05.

Conditions:
PHKA2-related disorder. Also called: PHKA2-related condition.
Glycogen storage disease IXa1. Also called: LIVER GLYCOGENOSIS, X-LINKED, TYPE I; GLYCOGEN STORAGE DISEASE VIII; GSD VIII; Glycogen storage disease 8. Identifiers: Orphanet 264580, MedGen C3694531, MONDO:0010598, OMIM 306000.
Glycogen storage disease. Also called: glycogen storage disorder; Disorder of glycogen metabolism. Identifiers: Orphanet 79201, MedGen C0017919, MONDO:0002412.

Allele frequency attached by ClinVar (database versions not stated): TOPMed below 0.00001.

Submissions (12):

Genetics Laboratory, Great Ormond Street Hospital NHS Foundation Trust, North Thames Genomic Laboratory Hub
Classification: Pathogenic for Glycogen storage disease. Last evaluated: 2025-11-05. Review status: criteria provided, single submitter. Criteria: ACGS Best Practice Guidelines for Variant Classification in Rare Disease 2024 v1.2. Collection method: clinical testing. Allele origin: germline. Affected: yes.
Comment: PS4_moderate, PM2_moderate, PP3_supporting, PP1_strong, PP4_strong

NHS Central & South Genomic Laboratory Hub
Classification: Likely pathogenic for Glycogen storage disease. Last evaluated: 2025-10-21. Review status: criteria provided, single submitter. Criteria: ACMG Guidelines, 2015. Collection method: clinical testing. Allele origin: germline. Affected: yes.

Labcorp Genetics (formerly Invitae), Labcorp
Classification: Pathogenic for Glycogen storage disease IXa1. Last evaluated: 2025-07-14. Review status: criteria provided, single submitter. Criteria: Invitae Variant Classification Sherloc (09022015). Collection method: clinical testing. Allele origin: germline.
Comment: This sequence change replaces proline, which is neutral and non-polar, with leucine, which is neutral and non-polar, at codon 1205 of the PHKA2 protein (p.Pro1205Leu). This variant is not present in population databases (gnomAD no frequency). This missense change has been observed in individuals with glycogen storage disease or phosphorylase kinase (PHK) deficiency (PMID: 7847371, 9870210, 21646031, 21911307, 24055370, 25266922, 28468868). It has also been observed to segregate with disease in related individuals. ClinVar contains an entry for this variant (Variation ID: 10531). Invitae Evidence Modeling of protein sequence and biophysical properties (such as structural, functional, and spatial information, amino acid conservation, physicochemical variation, residue mobility, and thermodynamic stability) has been performed for this missense variant. However, the output from this modeling did not meet the statistical confidence thresholds required to predict the impact of this variant on PHKA2 protein function. For these reasons, this variant has been classified as Pathogenic.

Blueprint Genetics
Classification: Pathogenic for PHKA2-related disorders. Last evaluated: 2024-03-20. Review status: criteria provided, single submitter. Criteria: ACMG Guidelines, 2015. Collection method: clinical testing. Allele origin: germline. Affected: yes. Observed: 4 variant alleles.

GeneDx
Classification: Pathogenic. Last evaluated: 2023-09-14. Review status: criteria provided, single submitter. Criteria: GeneDx Variant Classification Process June 2021. Collection method: clinical testing. Allele origin: germline. Affected: yes.
Comment: Not observed at significant frequency in large population cohorts (gnomAD); In silico analysis supports that this missense variant has a deleterious effect on protein structure/function; This variant is associated with the following publications: (PMID: 34946936, 34134972, 35854365, 2303074, 25266922, 7847371, 22899091, 33834518, 31508908, 31248825, 10330341, Estrada2020[CaseReport], 30659246, 24055370, 21646031, 28468868, 9870210, 33763395, 34440436, 21911307)

Foundation for Research in Genetics and Endocrinology, FRIGE's Institute of Human Genetics
Classification: Pathogenic for Glycogen storage disease IXa1. Last evaluated: 2021-07-03. Review status: criteria provided, single submitter. Criteria: ACMG Guidelines, 2015. Collection method: clinical testing. Allele origin: germline. Inheritance: X-linked recessive inheritance. Affected: yes. Observed: 1 hemizygote.
Comment: A hemizygous missense variation in exon 33 of the PHKA2 gene that results in the amino acid substitution of Leucine for Proline at codon 1205 was detected. The observed variant c.3614C>T (p.Pro1205Leu) has not been reported in the 1000 genomes and gnomAD databases. The observed variant has previously been reported in multiple unrelated patients affected with glycogen storage disorders (Davit-Spraul et al 2011). The in silico prediction of the variant are probably damaging by PolyPhen-2 (HumDiv) and damaging by SIFT, LRT and MutationTaster2. The reference codon is conserved across species. In summary, the variant meets our criteria to be classified as pathogenic.

Revvity Omics, Revvity
Classification: Pathogenic for Glycogen storage disease IXa1. Last evaluated: 2020-04-03. Review status: criteria provided, single submitter. Criteria: ACMG Guidelines, 2015. Collection method: clinical testing. Allele origin: germline.

CeGaT Center for Human Genetics Tuebingen
Classification: Pathogenic. Last evaluated: 2019-05-01. Review status: criteria provided, single submitter. Criteria: CeGaT Center For Human Genetics Tuebingen Variant Classification Criteria Version 2. Collection method: clinical testing. Allele origin: germline. Affected: yes. Observed: 4 variant alleles.

Women's Health and Genetics/Laboratory Corporation of America, LabCorp
Classification: Pathogenic for Glycogen storage disease type VIII. Last evaluated: 2018-06-27. Review status: criteria provided, single submitter. Criteria: LabCorp Variant Classification Summary - May 2015. Collection method: clinical testing. Allele origin: germline.
Comment: Variant summary: PHKA2 c.3614C>T (p.Pro1205Leu) results in a non-conservative amino acid change in the encoded protein sequence. Five of five in-silico tools predict a damaging effect of the variant on protein function. The variant was absent in 200197 control chromosomes (gnomAD). The variant, c.3614C>T, has been reported in the literature in multiple individuals both in heterozygote females and hemizygote males affected with Glycogen storage disease, type IXa1. Achouitar_2011 suggests the variant to be a Dutch founder mutation. No clinical diagnostic laboratories have submitted clinical-significance assessments for this variant to ClinVar after 2014. Based on the evidence outlined above, the variant was classified as pathogenic.

OMIM
Classification: Pathogenic for GLYCOGEN STORAGE DISEASE, TYPE IXa1. Last evaluated: 1995-02-01. Review status: no assertion criteria provided. Collection method: literature only. Allele origin: germline. Not counted in ClinVar's aggregate classification.

Genome Diagnostics Laboratory, University Medical Center Utrecht
Classification: Pathogenic. Review status: no assertion criteria provided. Collection method: clinical testing. Allele origin: germline. Affected: yes. Study: VKGL Data-share Consensus. Not counted in ClinVar's aggregate classification.

Joint Genome Diagnostic Labs from Nijmegen and Maastricht, Radboudumc and MUMC+
Classification: Pathogenic. Review status: no assertion criteria provided. Collection method: clinical testing. Allele origin: germline. Affected: yes. Study: VKGL Data-share Consensus. Not counted in ClinVar's aggregate classification.

Literature cited by the submitters: PubMed 7847371 (cited by Labcorp Genetics (formerly Invitae), Labcorp and OMIM); PubMed 9870210 (cited by Labcorp Genetics (formerly Invitae), Labcorp); PubMed 21646031 (cited by 3 submitters); PubMed 21911307 (cited by Labcorp Genetics (formerly Invitae), Labcorp and Women's Health and Genetics/Laboratory Corporation of America, LabCorp); PubMed 24055370 (cited by Labcorp Genetics (formerly Invitae), Labcorp and Women's Health and Genetics/Laboratory Corporation of America, LabCorp); PubMed 25266922 (cited by Labcorp Genetics (formerly Invitae), Labcorp); PubMed 28468868 (cited by Labcorp Genetics (formerly Invitae), Labcorp and Women's Health and Genetics/Laboratory Corporation of America, LabCorp); PubMed 22899091 (cited by Women's Health and Genetics/Laboratory Corporation of America, LabCorp); PubMed 5306139 (cited by OMIM); PubMed 2303074 (cited by OMIM).

NM_000292.3(PHKA2):c.3614C>T (p.Pro1205Leu)

Genes: PHKA2 (phosphorylase kinase regulatory subunit alpha 2; minus strand), PHKA2-AS1 (PHKA2 antisense RNA 1; plus strand). Cytogenetic location: Xp22.13.
Variant type: single nucleotide variant.
Coding change: c.3614C>T on transcript NM_000292.3 (MANE Select); coding-DNA position 3614, C replaced by T.
Protein change: p.Pro1205Leu; replaces proline 1205 with leucine.
Molecular consequence: missense variant.
Genome position (GRCh38, 1-based): chrX:18,893,579, G>A on the plus strand (C>T on the coding strand, the complement: PHKA2 is on the minus strand). VCF-style: chrX-18893579-G-A. GRCh37 (hg19) VCF-style: chrX-18911697-G-A.
Other names: short protein forms P1205L.
Identifiers: ClinVar variation 10531 (VCV000010531.65), dbSNP rs137852288, ClinGen allele CA255293.
Genomic context (GRCh38, chrX:18,893,579, plus strand): 5'-TCCTGCAAATAAGAAGCCACTGCTCTTGTTAGGTAGGTCATCGTCCCATAAGCCCCACTC[G>A]GAGCGCTGTCATAAAAGAAGTGGCAGATTCCTGTGGCTTGGTCTTTCTCCAGGGTGTCCA-3'
Protein context (NP_000283.1, residues 1195-1215): GICHFFYDSA[Pro1205Leu]SGAYGTMTYL